The following is an entry in ClinVar:

NM_005732.4(RAD50):c.1471G>A (p.Ala491Thr)

Gene: RAD50 (RAD50 double strand break repair protein; plus strand). Cytogenetic location: 5q31.1.
Variant type: single nucleotide variant.
Coding change: c.1471G>A on transcript NM_005732.4 (MANE Select); coding-DNA position 1471, G replaced by A.
Protein change: p.Ala491Thr; replaces alanine 491 with threonine.
Molecular consequence: missense variant.
Genome position (GRCh38, 1-based): chr5:132,591,242, G>A. VCF-style: chr5-132591242-G-A. GRCh37 (hg19) VCF-style: chr5-131926934-G-A.
Other names: short protein forms A491T.
Identifiers: ClinVar variation 231112 (VCV000231112.13), dbSNP rs876658967, ClinGen allele CA10578530.

ClinVar aggregate classification (germline): Uncertain significance. Review status: criteria provided, multiple submitters, no conflicts (2 of 4 stars). 2 submissions from 2 submitters: Uncertain significance (2). Last evaluated 2025-04-28.

Conditions:
Hereditary cancer-predisposing syndrome. Also called: Neoplastic Syndromes, Hereditary; Tumor predisposition; Hereditary Cancer Syndrome; Hereditary neoplastic syndrome. Identifiers: Orphanet 140162, MedGen C0027672, MeSH D009386, MONDO:0015356.

Submissions (2):

Labcorp Genetics (formerly Invitae), Labcorp
Classification: Uncertain significance for Hereditary cancer-predisposing syndrome. Last evaluated: 2025-04-28. Review status: criteria provided, single submitter. Criteria: Invitae Variant Classification Sherloc (09022015). Collection method: clinical testing. Allele origin: germline.
Comment: This sequence change replaces alanine, which is neutral and non-polar, with threonine, which is neutral and polar, at codon 491 of the RAD50 protein (p.Ala491Thr). This variant is not present in population databases (gnomAD no frequency). This variant has not been reported in the literature in individuals affected with RAD50-related conditions. ClinVar contains an entry for this variant (Variation ID: 231112). Invitae Evidence Modeling of protein sequence and biophysical properties (such as structural, functional, and spatial information, amino acid conservation, physicochemical variation, residue mobility, and thermodynamic stability) indicates that this missense variant is not expected to disrupt RAD50 protein function with a negative predictive value of 80%. In summary, the available evidence is currently insufficient to determine the role of this variant in disease. Therefore, it has been classified as a Variant of Uncertain Significance.

Ambry Genetics
Classification: Uncertain significance for Hereditary cancer-predisposing syndrome. Last evaluated: 2015-04-02. Review status: criteria provided, single submitter. Criteria: Ambry Variant Classification Scheme 2023. Collection method: clinical testing. Allele origin: germline.
Comment: The p.A491T variant (also known as c.1471G>A), located in coding exon 10 of the RAD50 gene, results from a G to A substitution at nucleotide position 1471. The alanine at codon 491 is replaced by threonine, an amino acid with similar properties. This variant was not reported in population based cohorts in the following databases: Database of Single Nucleotide Polymorphisms (dbSNP), NHLBI Exome Sequencing Project (ESP), and 1000 Genomes Project. In the ESP, this variant was not observed in 6503 samples (13006 alleles) with coverage at this position. To date, this alteration has been detected with an allele frequency of approximately 0.003% (greater than 40000 alleles tested) in our clinical cohort. This amino acid position is well conserved in available vertebrate species. In addition, this alteration is predicted to be tolerated by in silico analysis. Since supporting evidence is limited at this time, the clinical significance of p.A491T remains unclear.